The following is an entry in ClinVar:

NM_004168.4(SDHA):c.692G>T (p.Cys231Phe)

Gene: SDHA (succinate dehydrogenase complex flavoprotein subunit A; plus strand). Cytogenetic location: 5p15.33.
Variant type: single nucleotide variant.
Coding change: c.692G>T on transcript NM_004168.4 (MANE Select); coding-DNA position 692, G replaced by T.
Protein change: p.Cys231Phe; replaces cysteine 231 with phenylalanine.
Molecular consequence: missense variant.
Genome position (GRCh38, 1-based): chr5:228,255, G>T. VCF-style: chr5-228255-G-T. GRCh37 (hg19) VCF-style: chr5-228370-G-T.
Other names: c.548G>T, p.Cys183Phe (NM_001294332.2); c.692G>T, p.Cys231Phe (NM_001330758.2); short protein forms C183F, C231F.
Identifiers: ClinVar variation 3223752 (VCV003223752.4), dbSNP rs746766007, ClinGen allele CA359010951.

ClinVar aggregate classification (germline): Uncertain significance. Review status: criteria provided, multiple submitters, no conflicts (2 of 4 stars). 2 submissions from 2 submitters: Uncertain significance (2). Last evaluated 2026-06-16.

Conditions:
Hereditary cancer-predisposing syndrome. Also called: Neoplastic Syndromes, Hereditary; Tumor predisposition; Hereditary Cancer Syndrome; Hereditary neoplastic syndrome. Identifiers: Orphanet 140162, MedGen C0027672, MeSH D009386, MONDO:0015356.
Mitochondrial complex II deficiency, nuclear type 1. Also called: SUCCINATE CoQ REDUCTASE DEFICIENCY. Identifiers: Orphanet 3208, MedGen C5700310, MONDO:0100294, OMIM 252011.
Pheochromocytoma/paraganglioma syndrome 5. Also called: Paragangliomas 5; SDHA-Related Hereditary Paraganglioma-Pheochromocytoma Syndrome. Identifiers: Orphanet 29072, MedGen C3279992, MONDO:0013602, OMIM 614165.

Submissions (2):

Ambry Genetics
Classification: Uncertain significance for Hereditary cancer-predisposing syndrome. Last evaluated: 2026-06-16. Review status: criteria provided, single submitter. Criteria: Ambry Variant Classification Scheme 2023. Collection method: clinical testing. Allele origin: germline.
Comment: The p.C231F variant (also known as c.692G>T), located in coding exon 6 of the SDHA gene, results from a G to T substitution at nucleotide position 692. The cysteine at codon 231 is replaced by phenylalanine, an amino acid with highly dissimilar properties. This amino acid position is highly conserved in available vertebrate species. In addition, this alteration is predicted to be deleterious by in silico analysis. Based on the available evidence, the clinical significance of this variant remains unclear.

Labcorp Genetics (formerly Invitae), Labcorp
Classification: Uncertain significance for Pheochromocytoma/paraganglioma syndrome 5; Mitochondrial complex II deficiency, nuclear type 1. Last evaluated: 2025-01-28. Review status: criteria provided, single submitter. Criteria: Invitae Variant Classification Sherloc (09022015). Collection method: clinical testing. Allele origin: germline.
Comment: This sequence change replaces cysteine, which is neutral and slightly polar, with phenylalanine, which is neutral and non-polar, at codon 231 of the SDHA protein (p.Cys231Phe). This variant is present in population databases (no rsID available, gnomAD 0.002%). This variant has not been reported in the literature in individuals affected with SDHA-related conditions. ClinVar contains an entry for this variant (Variation ID: 3223752). Invitae Evidence Modeling of protein sequence and biophysical properties (such as structural, functional, and spatial information, amino acid conservation, physicochemical variation, residue mobility, and thermodynamic stability) has been performed for this missense variant. However, the output from this modeling did not meet the statistical confidence thresholds required to predict the impact of this variant on SDHA protein function. In summary, the available evidence is currently insufficient to determine the role of this variant in disease. Therefore, it has been classified as a Variant of Uncertain Significance.